The following is an entry in ClinVar:

NM_006648.4(WNK2):c.6079G>A (p.Gly2027Ser)

Gene: WNK2 (WNK lysine deficient protein kinase 2; plus strand). Cytogenetic location: 9q22.31.
Variant type: single nucleotide variant.
Coding change: c.6079G>A on transcript NM_006648.4 (MANE Select); coding-DNA position 6079, G replaced by A.
Protein change: p.Gly2027Ser; replaces glycine 2027 with serine.
Molecular consequence: missense variant.
Genome position (GRCh38, 1-based): chr9:93,299,225, G>A. VCF-style: chr9-93299225-G-A. GRCh37 (hg19) VCF-style: chr9-96061507-G-A.
Other names: c.6190G>A, p.Gly2064Ser (NM_001282394.3); short protein forms G2064S, G2027S.
Identifiers: ClinVar variation 3470711 (VCV003470711.1).

ClinVar aggregate classification (germline): Uncertain significance (1 of 4 stars; one submission).

gnomAD v4.1: 98 of 1,586,192 alleles (0.0062%); highest among the groups gnomAD compares: Non-Finnish European, 0.0075%; no homozygotes.

Submission:

Ambry Genetics
Classification: Uncertain significance. Last evaluated: 2024-12-10. Review status: criteria provided, single submitter. Criteria: Ambry Variant Classification Scheme 2023. Collection method: clinical testing. Allele origin: germline.
Comment: The p.G2027S variant (also known as c.6079G>A), located in coding exon 24 of the WNK2 gene, results from a G to A substitution at nucleotide position 6079. The glycine at codon 2027 is replaced by serine, an amino acid with similar properties. This amino acid position is conserved. In addition, the in silico prediction for this alteration is inconclusive. Based on the available evidence, the clinical significance of this variant remains unclear.